The following is an entry in ClinVar:

ClinVar aggregate classification (germline): Pathogenic/Likely pathogenic. Review status: criteria provided, multiple submitters, no conflicts (2 of 4 stars). 2 submissions from 2 submitters: Pathogenic (1); Likely pathogenic (1). Last evaluated 2025-01-27.

Conditions:
Hereditary cancer-predisposing syndrome. Also called: Neoplastic Syndromes, Hereditary; Hereditary Cancer Syndrome; Tumor predisposition; Hereditary neoplastic syndrome. Identifiers: Orphanet 140162, MedGen C0027672, MeSH D009386, MONDO:0015356.
Ataxia-telangiectasia syndrome (AT). Also called: LOUIS-BAR SYNDROME; Cerebello-oculocutaneous telangiectasia; Immunodeficiency with ataxia telangiectasia; Ataxia-telangiectasia, complementation group D; AT, COMPLEMENTATION GROUP C; Ataxia-telangiectasia, complementation group E. Identifiers: Orphanet 100, MedGen C0004135, MONDO:0008840, OMIM 208900.

Submissions (2):

Labcorp Genetics (formerly Invitae), Labcorp
Classification: Pathogenic for Ataxia-telangiectasia syndrome. Last evaluated: 2025-01-27. Review status: criteria provided, single submitter. Criteria: Invitae Variant Classification Sherloc (09022015). Collection method: clinical testing. Allele origin: germline.
Comment: This sequence change affects an acceptor splice site in intron 38 of the ATM gene. It is expected to disrupt RNA splicing. Variants that disrupt the donor or acceptor splice site typically lead to a loss of protein function (PMID: 16199547), and loss-of-function variants in ATM are known to be pathogenic (PMID: 23807571, 25614872). This variant is not present in population databases (gnomAD no frequency). Disruption of this splice site has been observed in individuals with ataxia-telangiectasia (PMID: 21665257). ClinVar contains an entry for this variant (Variation ID: 481234). Algorithms developed to predict the effect of sequence changes on RNA splicing suggest that this variant may disrupt the consensus splice site. For these reasons, this variant has been classified as Pathogenic.

Ambry Genetics
Classification: Likely pathogenic for Hereditary cancer-predisposing syndrome. Last evaluated: 2016-04-08. Review status: criteria provided, single submitter. Criteria: Ambry Variant Classification Scheme 2023. Collection method: clinical testing. Allele origin: germline.
Comment: The c.5763-2A>G intronic variant results from a A to G substitution two nucleotides upstream from coding exon 37 of the ATM gene. A similar variant, c.5763-2A>T (also designated as c.5762A>T and IVS40-2A&rarr;T in the literature), has been previously reported in multiple individuals with ataxia telangiectasia, and has been shown to cause protein truncation and absence of ATM kinase activity through RT-PCR and Western blot analyses (Verhagen MM et al. Hum. Mutat. 2012 Mar;33(3):561-71; Broeks et al. Hum. Mutat. 1998;12(5):330-7). This variant was not reported in population based cohorts in the following databases: Database of Single Nucleotide Polymorphisms (dbSNP), NHLBI Exome Sequencing Project (ESP), and 1000 Genomes Project. In the ESP, this variant was not observed in 6498 samples (12996 alleles) with coverage at this position. To date, this alteration has been detected with an allele frequency of approximately 0.001% (greater than 125000 alleles tested) in our clinical cohort. Using the BDGP and ESEfinder splice site prediction tools, this alteration is predicted to abolish the native splice acceptor site and create a potential alternative splice acceptor site; however, direct evidence is not available. This nucleotide position is highly conserved in available vertebrate species. Alterations that disrupt the canonical splice acceptor site are typically deleterious in nature (ACMG Recommendations for Standards for Interpretation and Reporting of Sequence Variations. Revision 2007. Genet Med. 2008;10:294). As such, the c.5763-2A>G variant is classified as likely pathogenic.

Literature cited by the submitters: PubMed 16199547 (cited by Labcorp Genetics (formerly Invitae), Labcorp); PubMed 23807571 (cited by Labcorp Genetics (formerly Invitae), Labcorp); PubMed 25614872 (cited by Labcorp Genetics (formerly Invitae), Labcorp); PubMed 21665257 (cited by Labcorp Genetics (formerly Invitae), Labcorp); PubMed 22213089 (cited by Ambry Genetics); PubMed 9792409 (cited by Ambry Genetics).

NM_000051.4(ATM):c.5763-2A>G

Genes: ATM (ATM serine/threonine kinase; plus strand), C11orf65 (chromosome 11 open reading frame 65; minus strand). Cytogenetic location: 11q22.3.
Variant type: single nucleotide variant.
Coding change: c.5763-2A>G on transcript NM_000051.4 (MANE Select); the canonical splice acceptor site of the intron before coding-DNA position 5763, A replaced by G.
Molecular consequence: splice acceptor variant. On other transcripts: intron variant (2).
Genome position (GRCh38, 1-based): chr11:108,310,158, A>G. VCF-style: chr11-108310158-A-G. GRCh37 (hg19) VCF-style: chr11-108180885-A-G.
Other names: c.5763-2A>G (NM_001351834.2); c.641-1087T>C (NM_001330368.2); c.*39-1087T>C (NM_001351110.2).
Identifiers: ClinVar variation 481234 (VCV000481234.13), dbSNP rs876659489, ClinGen allele CA382548271.